The following is an entry in ClinVar:

ClinVar aggregate classification (germline): Uncertain significance (1 of 4 stars; one submission).

Conditions:
Intellectual disability, X-linked 49 (MRXSRC). Also called: CLCN4-Related Neurodevelopmental Disorder; CLCN4-related X-linked intellectual disability syndrome; RAYNAUD-CLAES SYNDROME; MENTAL RETARDATION, X-LINKED 15; MRX49. Identifiers: Orphanet 485350, Orphanet 777, MedGen C0796221, MONDO:0010250, OMIM 300114.

Allele frequency attached by ClinVar (database versions not stated): gnomAD exomes below 0.00001.
gnomAD v4.1: 1 of 1,211,727 alleles (0.000083%); highest among the groups gnomAD compares: Non-Finnish European, 0.00011%; no homozygotes.

Submission:

Neuberg Centre For Genomic Medicine, NCGM
Classification: Uncertain significance for Intellectual disability, X-linked 49. Review status: criteria provided, single submitter. Criteria: ACMG Guidelines, 2015. Collection method: clinical testing. Allele origin: germline. Inheritance: X-linked inheritance. Affected: yes.
Comment: The c.1436C>T (p.Ala479Val) missense variant in CLCN4 gene has not been reported previously as a pathogenic variant nor as a benign variant, to our knowledge. The p.Ala479Val variant is novel (not in any individuals) in gnomAD Exomes and 1000 Genomes. The amino acid Ala at position 479 is changed to a Val changing protein sequence and it might alter its composition and physico-chemical properties. In silico tools predict the variant to be tolerated. The residue is conserved across species. The amino acid change p.Ala479Val in CLCN4 is predicted as conserved by GERP++ and PhyloP across 100 vertebrates. For these reasons, this variant has been classified as Variant of Uncertain Significance (VUS).

NM_001830.4(CLCN4):c.1436C>T (p.Ala479Val)

Gene: CLCN4 (Cl-/H+ antiporter 4; plus strand). Cytogenetic location: Xp22.2.
Variant type: single nucleotide variant.
Coding change: c.1436C>T on transcript NM_001830.4 (MANE Select); coding-DNA position 1436, C replaced by T.
Protein change: p.Ala479Val; replaces alanine 479 with valine.
Molecular consequence: missense variant.
Genome position (GRCh38, 1-based): chrX:10,212,513, C>T. VCF-style: chrX-10212513-C-T. GRCh37 (hg19) VCF-style: chrX-10180553-C-T.
Other names: c.1154C>T, p.Ala385Val (NM_001256944.2); short protein forms A385V, A479V.
Identifiers: ClinVar variation 2585539 (VCV002585539.1), dbSNP rs966305132, ClinGen allele CA412040690.